The following is an entry in ClinVar:

ClinVar aggregate classification (germline): Pathogenic. Review status: criteria provided, multiple submitters, no conflicts (2 of 4 stars). 13 submissions from 13 submitters: Pathogenic (11). 2 of the submissions do not count toward it. Last evaluated 2025-10-15.

Conditions:
Hereditary nonpolyposis colon cancer (HNPCC). Also called: Hereditary nonpolyposis colorectal cancer; Familial nonpolyposis colon cancer; Hereditary Nonpolyposis Colorectal Cancer Syndrome. Identifiers: Orphanet 443909, MedGen C1333990, MONDO:0018630. Disease mechanism: loss of function.
Hereditary cancer-predisposing syndrome. Also called: Tumor predisposition; Neoplastic Syndromes, Hereditary; Hereditary Cancer Syndrome; Hereditary neoplastic syndrome. Identifiers: Orphanet 140162, MedGen C0027672, MeSH D009386, MONDO:0015356.
MSH6-related disorder. Also called: MSH6-related condition; MSH6-Related disorders.
Lynch syndrome 5 (LYNCH5). Also called: Colorectal cancer, hereditary nonpolyposis, type 5; Hereditary non-polyposis colorectal cancer, type 5. Identifiers: Orphanet 144, MedGen C1833477, MONDO:0013710, OMIM 614350. Disease mechanism: loss of function.
Carcinoma of colon (CRC). Also called: Colon carcinoma; Colonic carcinoma. Identifiers: MedGen C0699790, MONDO:0002032.
Endometrial carcinoma. Also called: Endometrial carcinoma, somatic. Identifiers: MedGen C0476089, MONDO:0002447, OMIM 608089, HP:0012114.
Hereditary nonpolyposis colorectal neoplasms. Identifiers: MedGen C0009405, MeSH D003123.
Lynch syndrome. Identifiers: Orphanet 144, MedGen C4552100, MONDO:0005835. Disease mechanism: loss of function.
Mismatch repair cancer syndrome 3. Identifiers: MedGen C5436807, MONDO:0030841, OMIM 619097.

Submissions (13):

Labcorp Genetics (formerly Invitae), Labcorp
Classification: Pathogenic for Hereditary nonpolyposis colorectal neoplasms. Last evaluated: 2025-10-15. Review status: criteria provided, single submitter. Criteria: Invitae Variant Classification Sherloc (09022015). Collection method: clinical testing. Allele origin: germline.
Comment: This sequence change creates a premature translational stop signal (p.Val1192Cysfs*2) in the MSH6 gene. It is expected to result in an absent or disrupted protein product. Loss-of-function variants in MSH6 are known to be pathogenic (PMID: 18269114, 24362816). This variant is present in population databases (no rsID available, gnomAD 0.004%). This premature translational stop signal has been observed in individual(s) with endometrial cancer and Lynch syndrome (PMID: 24323032, 27064304). Invitae Evidence Modeling of clinical and family history, age, sex, and reported ancestry of multiple individuals with this MSH6 variant has been performed. This variant is expected to be pathogenic with a positive predictive value of at least 99%. This is a validated machine learning model that incorporates the clinical features of 1,627,235 individuals referred to our laboratory for MSH6 testing. ClinVar contains an entry for this variant (Variation ID: 372414). For these reasons, this variant has been classified as Pathogenic.

GeneDx
Classification: Pathogenic. Last evaluated: 2025-08-21. Review status: criteria provided, single submitter. Criteria: GeneDx Variant Classification Process June 2021. Collection method: clinical testing. Allele origin: germline. Affected: yes.
Comment: Frameshift variant predicted to result in protein truncation or nonsense mediated decay in a gene for which loss of function is a known mechanism of disease; Truncating variants in this gene are considered pathogenic by a well-established clinical consortium and/or database; Not observed at significant frequency in large population cohorts (gnomAD); This variant is associated with the following publications: (PMID: 27064304, 20028993, 24323032, 32068069, 30787465, 35346574, 29368341, 30376427, 32459922, 24362816, 31997046)

Ambry Genetics
Classification: Pathogenic for Hereditary cancer-predisposing syndrome. Last evaluated: 2024-07-22. Review status: criteria provided, single submitter. Criteria: Ambry Variant Classification Scheme 2023. Collection method: clinical testing. Allele origin: germline.
Comment: The c.3573dupT pathogenic mutation, located in coding exon 7 of the MSH6 gene, results from a duplication of T at nucleotide position 3573, causing a translational frameshift with a predicted alternate stop codon (p.V1192Cfs*2). This mutation has been reported in multiple families with Lynch syndrome (Baglietto L et al. J Natl Cancer Inst, 2010 Feb;102:193-201; Sjursen W et al. Mol Genet Genomic Med, 2016 Mar;4:223-31; Kwong A et al. J Mol Diagn, 2020 Apr;22:544-554; Brand RE et al. Fam Cancer, 2020 Apr;19:169-175), including a patient with MSH6-deficient endometrial cancer (Buchanan DD et al. J. Clin. Oncol. 2014 Jan;32:90-100) and a colorectal cancer patient with concordant IHC results (Latham A et al. J Clin Oncol, 2019 02;37:286-295). This mutation is also designated as c.3572-3573insT in published literature. This variant is considered to be rare based on population cohorts in the Genome Aggregation Database (gnomAD). In addition to the clinical data presented in the literature, this alteration is expected to result in loss of function by premature protein truncation or nonsense-mediated mRNA decay. As such, this alteration is interpreted as a disease-causing mutation.

Fulgent Genetics
Classification: Pathogenic for Endometrial carcinoma; Lynch syndrome 5; Mismatch repair cancer syndrome 3. Last evaluated: 2024-04-11. Review status: criteria provided, single submitter. Criteria: ACMG Guidelines, 2015. Collection method: clinical testing. Allele origin: germline.

Baylor Genetics
Classification: Pathogenic for Endometrial carcinoma. Last evaluated: 2024-03-10. Review status: criteria provided, single submitter. Criteria: ACMG Guidelines, 2015. Collection method: clinical testing. Allele origin: unknown.

Blueprint Genetics
Classification: Pathogenic for MSH6-related disorders. Last evaluated: 2023-11-30. Review status: criteria provided, single submitter. Criteria: ACMG Guidelines, 2015. Collection method: clinical testing. Allele origin: germline. Affected: yes. Observed: 4 variant alleles.

Myriad Genetics, Inc.
Classification: Pathogenic for Lynch syndrome 5. Last evaluated: 2023-08-24. Review status: criteria provided, single submitter. Criteria: Myriad Autosomal Dominant, Autosomal Recessive and X-Linked Classification Criteria (2023). Collection method: clinical testing. Allele origin: unknown.
Comment: This variant is considered pathogenic. This variant creates a frameshift predicted to result in premature protein truncation.

All of Us Research Program, National Institutes of Health
Classification: Pathogenic for Lynch syndrome. Last evaluated: 2023-05-03. Review status: criteria provided, single submitter. Criteria: ACMG Guidelines, 2015. Collection method: clinical testing. Allele origin: germline. Inheritance: Autosomal dominant inheritance. Observed: 1 variant allele, 1 heterozygote.
Comment: The c.3573dup (p.Val1192Cysfs*2) variant in the MSH6 gene is located on the exon 7 and is predicted to cause reading frame shift that introduces a premature translation termination codon (p.Val1192Cysfs*2), resulting in an absent or disrupted protein product. The variant has been reported in multiple unrelated individuals affected with Lynch syndrome-associated cancers (PMID: 32068069, 29368341, 27064304, 30376427, 24323032, 32459922). Loss-of-function variants located downstream to this position have been reported in individuals with Lynch syndrome (PMID: 20028993). The variant is reported in ClinVar as pathogenic (ID: 372414). This variant is absent in the general population database (gnomAD). Therefore, the c.3573dup (p.Val1192Cysfs*2) variant of MSH6 has been classified as pathogenic.

This study involves interpretation of variants in research participants for the purpose of population health screening. Participant phenotype was not available at the time of variant classification. Additional details can be found in publication PMID: 35346344, PMCID: PMC8962531

Color Diagnostics, LLC DBA Color Health
Classification: Pathogenic for Hereditary cancer-predisposing syndrome. Last evaluated: 2022-01-03. Review status: criteria provided, single submitter. Criteria: ACMG Guidelines, 2015. Collection method: clinical testing. Allele origin: germline.
Comment: This variant inserts 1 nucleotide in exon 7 of the MSH6 gene, creating a frameshift and premature translation stop signal. This variant is expected to result in an absent or non-functional protein product. This variant has been identified in 1/245904 chromosomes in the general population by the Genome Aggregation Database (gnomAD). Loss of MSH6 function is a known mechanism of disease. Based on the available evidence, this variant is classified as Pathogenic.

Genetics and Molecular Pathology, SA Pathology
Classification: Pathogenic for Lynch syndrome 5. Last evaluated: 2021-06-24. Review status: criteria provided, single submitter. Criteria: ACMG Guidelines, 2015. Collection method: clinical testing. Allele origin: germline. Inheritance: Autosomal dominant inheritance. Affected: yes.

Women's Health and Genetics/Laboratory Corporation of America, LabCorp
Classification: Pathogenic for Lynch syndrome. Last evaluated: 2019-05-02. Review status: criteria provided, single submitter. Criteria: LabCorp Variant Classification Summary - May 2015. Collection method: clinical testing. Allele origin: germline.
Comment: Variant summary: MSH6 c.3573dupT (p.Val1192CysfsX2) results in a premature termination codon, predicted to cause a truncation of the encoded protein or absence of the protein due to nonsense mediated decay, which are commonly known mechanisms for disease. Truncations downstream of this position have been classified as pathogenic by our laboratory (e.g. c.3609_3612delTGCA (p.His1203fsX12), c.3699_3702delAGAA (p.Lys1233fsX6), and c.3799_3800delAT (p.Met1267fsX7)). The variant was absent in 250974 control chromosomes (gnomAD). The variant, c.3573dupT, has been reported in the literature in at least one individual affected with endometrial cancer, with the absence of MSH6 protein expression in the tumor tissue (Baglietto 2010, Buchanan_2014, Sjursen_2016). To our knowledge, no experimental evidence demonstrating an impact on protein function has been reported. Four submitters have provided clinical-significance assessments for this variant in ClinVar after 2014, and classified the variant as pathogenic. Based on the evidence outlined above, the variant was classified as pathogenic.

Department of Pathology and Laboratory Medicine, Sinai Health System
Classification: Pathogenic for Carcinoma of colon. Review status: no assertion criteria provided. Collection method: clinical testing. Allele origin: unknown. Affected: yes. Study: The Canadian Open Genetics Repository (COGR). Not counted in ClinVar's aggregate classification.
Comment: The c.3573dup OR p.Val1192Cys_fsX2 variant has been reported in 1 proband with a Lynch syncrome related cancer (Baglietto_2009_20028993). The p.Val1192Cys_fsX2 variant is predicted to cause a frameshift, which alters the protein's amino acid sequence beginning at codon 1192 and leads to a premature stop codon 2 codons downstream. This alteration is then predicted to lead to a truncated or absent protein and loss of function. Loss of function variants are an established mechanism of disease for the MSH6 gene. In summary, based upon the above information, this variant meets are criteria for pathogenicity.

Mayo Clinic Laboratories, Mayo Clinic
Classification: Pathogenic. Review status: no assertion criteria provided. Collection method: clinical testing. Allele origin: unknown. Not counted in ClinVar's aggregate classification.

Literature cited by the submitters: PubMed 18269114 (cited by Labcorp Genetics (formerly Invitae), Labcorp); PubMed 24362816 (cited by Labcorp Genetics (formerly Invitae), Labcorp); PubMed 24323032 (cited by 4 submitters); PubMed 27064304 (cited by 4 submitters); PubMed 20028993 (cited by 3 submitters); PubMed 30376427 (cited by Ambry Genetics and All of Us Research Program, National Institutes of Health); PubMed 31997046 (cited by Ambry Genetics); PubMed 32068069 (cited by Ambry Genetics and All of Us Research Program, National Institutes of Health); PubMed 29368341 (cited by All of Us Research Program, National Institutes of Health); PubMed 32459922 (cited by All of Us Research Program, National Institutes of Health).

NM_000179.3(MSH6):c.3573dup (p.Val1192fs)

Gene: MSH6 (mutS homolog 6; plus strand). Cytogenetic location: 2p16.3.
Variant type: Duplication.
Coding change: c.3573dup on transcript NM_000179.3 (MANE Select); coding-DNA position 3573, one base duplicated (T; older notation c.3573dupT).
Protein change: p.Val1192fs; shifts the reading frame from valine 1192.
Molecular consequence: frameshift variant.
Genome position (GRCh38, 1-based): chr2:47,805,634, T duplicated; the last of 6 consecutive T bases (chr2:47,805,629-47,805,634); duplicating any one gives the same sequence. VCF-style (leftmost placement, unchanged base first): chr2-47805628-A-AT. GRCh37 (hg19) VCF-style: chr2-48032767-A-AT.
Other names: c.3183dup, p.Val1062fs (NM_001281492.2); c.2667dup, p.Val890fs (NM_001281493.2, NM_001281494.2); c.3573dupT (NM_000179.2); short protein forms V1062fs, V1192fs, V890fs.
Identifiers: ClinVar variation 372414 (VCV000372414.35), dbSNP rs1057517764, ClinGen allele CA16042399.
Genomic context (GRCh38, chr2:47,805,628, plus strand): 5'-TAATATGATTTGCAAAATGAGTATTCATTTGTGATTTTTTTTTTTTTAAGGTGAAAGTAC[A>AT]TTTTTTGTTGAATTAAGTGAAACTGCCAGCATACTCATGCATGCAACAGCACATTCTCTG-3'